The following is an entry in ClinVar:

NM_004408.4(DNM1):c.34C>A (p.Leu12Met)

Genes: CIZ1 (CDKN1A interacting zinc finger protein 1; minus strand), DNM1 (dynamin 1; plus strand). Cytogenetic location: 9q34.11.
Variant type: single nucleotide variant.
Coding change: c.34C>A on transcript NM_004408.4 (MANE Select); coding-DNA position 34, C replaced by A.
Protein change: p.Leu12Met; replaces leucine 12 with methionine.
Molecular consequence: missense variant. On other transcripts: intron variant (2).
Genome position (GRCh38, 1-based): chr9:128,203,504, C>A. VCF-style: chr9-128203504-C-A. GRCh37 (hg19) VCF-style: chr9-130965783-C-A.
Other names: c.34C>A, p.Leu12Met (NM_001005336.3, NM_001288737.2, NM_001288738.2 and 2 more transcripts); c.-6+682G>T (NM_001131015.2, NM_012127.3); short protein forms L12M.
Identifiers: ClinVar variation 985462 (VCV000985462.5), dbSNP rs1382648008, ClinGen allele CA375006286.

ClinVar aggregate classification (germline): Uncertain significance (1 of 4 stars; one submission).

Conditions:
Inborn genetic diseases. Identifiers: MedGen C0950123, MeSH D030342.

Allele frequency attached by ClinVar (database versions not stated): gnomAD exomes below 0.00001.
gnomAD v4.1: 1 of 1,535,926 alleles (0.000065%); highest among the groups gnomAD compares: Middle Eastern, 0.017%; no homozygotes.

Submission:

Ambry Genetics
Classification: Uncertain significance for Inborn genetic diseases. Last evaluated: 2018-02-01. Review status: criteria provided, single submitter. Criteria: Ambry Variant Classification Scheme 2023. Collection method: clinical testing. Allele origin: germline.
Comment: The p.L12M variant (also known as c.34C>A), located in coding exon 1 of the DNM1 gene, results from a C to A substitution at nucleotide position 34. The leucine at codon 12 is replaced by methionine, an amino acid with highly similar properties. This amino acid position is highly conserved in available vertebrate species. In addition, the in silico prediction for this alteration is inconclusive. Since supporting evidence is limited at this time, the clinical significance of this alteration remains unclear.